The following is an entry in ClinVar:

NM_000051.4(ATM):c.814A>G (p.Asn272Asp)

Gene: ATM (ATM serine/threonine kinase; plus strand). Cytogenetic location: 11q22.3.
Variant type: single nucleotide variant.
Coding change: c.814A>G on transcript NM_000051.4 (MANE Select); coding-DNA position 814, A replaced by G.
Protein change: p.Asn272Asp; replaces asparagine 272 with aspartic acid.
Molecular consequence: missense variant.
Genome position (GRCh38, 1-based): chr11:108,244,939, A>G. VCF-style: chr11-108244939-A-G. GRCh37 (hg19) VCF-style: chr11-108115666-A-G.
Other names: c.814A>G, p.Asn272Asp (NM_001351834.2); short protein forms N272D.
Identifiers: ClinVar variation 1994231 (VCV001994231.4), dbSNP rs1565371810, ClinGen allele CA382529399.

ClinVar aggregate classification (germline): Uncertain significance (1 of 4 stars; one submission).

Conditions:
Ataxia-telangiectasia syndrome (AT). Also called: Ataxia telangiectasia (A-T); Cerebello-oculocutaneous telangiectasia; Immunodeficiency with ataxia telangiectasia; Ataxia-telangiectasia, complementation group D; Ataxia-telangiectasia, complementation group E; LOUIS-BAR SYNDROME. Identifiers: Orphanet 100, MedGen C0004135, MONDO:0008840, OMIM 208900.

Submission:

Labcorp Genetics (formerly Invitae), Labcorp
Classification: Uncertain significance for Ataxia-telangiectasia syndrome. Last evaluated: 2023-05-16. Review status: criteria provided, single submitter. Criteria: Invitae Variant Classification Sherloc (09022015). Collection method: clinical testing. Allele origin: germline.
Comment: In summary, the available evidence is currently insufficient to determine the role of this variant in disease. Therefore, it has been classified as a Variant of Uncertain Significance. An algorithm developed to predict the effect of missense changes on protein structure and function (PolyPhen-2) suggests that this variant is likely to be tolerated. ClinVar contains an entry for this variant (Variation ID: 1994231). This variant has not been reported in the literature in individuals affected with ATM-related conditions. This variant is not present in population databases (gnomAD no frequency). This sequence change replaces asparagine, which is neutral and polar, with aspartic acid, which is acidic and polar, at codon 272 of the ATM protein (p.Asn272Asp).